The following is an entry in ClinVar:

NM_001363.5(DKC1):c.56G>A (p.Arg19Gln)

Gene: DKC1 (dyskerin pseudouridine synthase 1; plus strand). Cytogenetic location: Xq28.
Variant type: single nucleotide variant.
Coding change: c.56G>A on transcript NM_001363.5 (MANE Select); coding-DNA position 56, G replaced by A.
Protein change: p.Arg19Gln; replaces arginine 19 with glutamine.
Molecular consequence: missense variant. On other transcripts: non-coding transcript variant (3).
Genome position (GRCh38, 1-based): chrX:154,764,938, G>A. VCF-style: chrX-154764938-G-A. GRCh37 (hg19) VCF-style: chrX-153993213-G-A.
Other names: c.56G>A, p.Arg19Gln (NM_001142463.3, NM_001288747.2); short protein forms R19Q.
Identifiers: ClinVar variation 5039521 (VCV005039521.1).

ClinVar aggregate classification (germline): Likely benign (1 of 4 stars; one submission).

gnomAD v4.1: 9 of 1,206,327 alleles (0.00075%); highest among the groups gnomAD compares: East Asian, 0.0059%; no homozygotes.

Submission:

CeGaT Center for Human Genetics Tuebingen
Classification: Likely benign. Last evaluated: 2026-08-01. Review status: criteria provided, single submitter. Criteria: CeGaT Center For Human Genetics Tuebingen Variant Classification Criteria Version 2. Collection method: clinical testing. Allele origin: germline. Affected: yes. Observed: 1 variant allele.
Comment: DKC1: PP2, BS2